The following is an entry in ClinVar:

NM_001447.3(FAT2):c.5720T>A (p.Ile1907Asn)

Genes: FAT2 (FAT atypical cadherin 2; minus strand), SLC36A1 (solute carrier family 36 member 1; plus strand). Cytogenetic location: 5q33.1.
Variant type: single nucleotide variant.
Coding change: c.5720T>A on transcript NM_001447.3 (MANE Select); coding-DNA position 5720, T replaced by A.
Protein change: p.Ile1907Asn; replaces isoleucine 1907 with asparagine.
Molecular consequence: missense variant.
Genome position (GRCh38, 1-based): chr5:151,545,407, A>T on the plus strand (T>A on the coding strand, the complement: FAT2 is on the minus strand). VCF-style: chr5-151545407-A-T. GRCh37 (hg19) VCF-style: chr5-150924968-A-T.
Other names: short protein forms I1907N.
Identifiers: ClinVar variation 2712941 (VCV002712941.3), dbSNP rs150700679, ClinGen allele CA361842117.

ClinVar aggregate classification (germline): Uncertain significance (1 of 4 stars; one submission).

Submission:

Labcorp Genetics (formerly Invitae), Labcorp
Classification: Uncertain significance. Last evaluated: 2023-04-28. Review status: criteria provided, single submitter. Criteria: Invitae Variant Classification Sherloc (09022015). Collection method: clinical testing. Allele origin: germline.
Comment: In summary, the available evidence is currently insufficient to determine the role of this variant in disease. Therefore, it has been classified as a Variant of Uncertain Significance. Advanced modeling of protein sequence and biophysical properties (such as structural, functional, and spatial information, amino acid conservation, physicochemical variation, residue mobility, and thermodynamic stability) performed at Invitae indicates that this missense variant is expected to disrupt FAT2 protein function. This variant has not been reported in the literature in individuals affected with FAT2-related conditions. This sequence change replaces isoleucine, which is neutral and non-polar, with asparagine, which is neutral and polar, at codon 1907 of the FAT2 protein (p.Ile1907Asn). This variant is not present in population databases (gnomAD no frequency).